The following is an entry in ClinVar:

ClinVar aggregate classification (germline): Benign/Likely benign. Review status: criteria provided, multiple submitters, no conflicts (2 of 4 stars). 6 submissions from 6 submitters: Benign (5); Likely benign (1). Last evaluated 2025-10-22.

Conditions:
Autosomal recessive nonsyndromic hearing loss 28. Identifiers: Orphanet 90636, MedGen C1853276, MONDO:0012355, OMIM 609823.

Allele frequency attached by ClinVar (database versions not stated): 1000 Genomes Project 0.00379; 1000 Genomes Project 30x 0.00390; gnomAD 0.00058 and 0.00080; gnomAD exomes 0.00090 and 0.00203; TOPMed 0.00116; ExAC 0.00204.
gnomAD v4.1: 1,404 of 1,613,062 alleles (0.087%); highest among the groups gnomAD compares: East Asian, 2.9%; 28 homozygotes.

Submissions (6):

Labcorp Genetics (formerly Invitae), Labcorp
Classification: Benign. Last evaluated: 2025-10-22. Review status: criteria provided, single submitter. Criteria: Invitae Variant Classification Sherloc (09022015). Collection method: clinical testing. Allele origin: germline.

ARUP Laboratories, Molecular Genetics and Genomics, ARUP Laboratories
Classification: Benign for Autosomal recessive nonsyndromic hearing loss 28. Last evaluated: 2022-02-28. Review status: criteria provided, single submitter. Criteria: ARUP Molecular Germline Variant Investigation Process 2021. Collection method: clinical testing. Allele origin: germline.

Fulgent Genetics
Classification: Likely benign for Autosomal recessive nonsyndromic hearing loss 28. Last evaluated: 2021-07-20. Review status: criteria provided, single submitter. Criteria: ACMG Guidelines, 2015. Collection method: clinical testing. Allele origin: unknown.

GeneDx
Classification: Benign. Last evaluated: 2020-01-28. Review status: criteria provided, single submitter. Criteria: GeneDx Variant Classification Process June 2021. Collection method: clinical testing. Allele origin: germline. Affected: yes.

Laboratory for Molecular Medicine, Mass General Brigham Personalized Medicine
Classification: Benign. Last evaluated: 2012-11-29. Review status: criteria provided, single submitter. Criteria: LMM Criteria. Collection method: clinical testing. Allele origin: germline. Observed: 6 variant alleles.
Comment: This variant is present in 14/572 Asian control chromosomes from the 1000 Genome s Project.

Breakthrough Genomics
Classification: Benign. Review status: criteria provided, single submitter. Criteria: ACMG Guidelines, 2015. Collection method: not provided. Allele origin: germline. Inheritance: Autosomal recessive inheritance. Affected: yes.

NM_001039141.3(TRIOBP):c.4077T>C (p.Pro1359=)

Gene: TRIOBP (TRIO and F-actin binding protein; plus strand). Cytogenetic location: 22q13.1.
Variant type: single nucleotide variant.
Coding change: c.4077T>C on transcript NM_001039141.3 (MANE Select); coding-DNA position 4077, T replaced by C.
Protein change: p.Pro1359=; no amino-acid change (proline 1359 retained).
Molecular consequence: synonymous variant.
Genome position (GRCh38, 1-based): chr22:37,734,413, T>C. VCF-style: chr22-37734413-T-C. GRCh37 (hg19) VCF-style: chr22-38130420-T-C.
Identifiers: ClinVar variation 43852 (VCV000043852.20), dbSNP rs139074745, ClinGen allele CA133028.
Genomic context (GRCh38, chr22:37,734,413, plus strand): 5'-GGTCCCCAGAGAGAGAGCCTCACCTACCCCCTCACCTCATCCCCAGGTGACCATGCTCCC[T>C]GCCAAACAGGCAGAACTGACCCGGCGGAGCCAAGCAGAGCCCCCTCATCCTTGGAGTCCT-3'
Protein context (NP_001034230.1, residues 1349-1369): PAPSRQVTML[Pro1359=]AKQAELTRRS